The following is an entry in ClinVar:

NM_024996.7(GFM1):c.1519-1G>C

Gene: GFM1 (G elongation factor mitochondrial 1; plus strand). Cytogenetic location: 3q25.32.
Variant type: single nucleotide variant.
Coding change: c.1519-1G>C on transcript NM_024996.7 (MANE Select); the canonical splice acceptor site of the intron before coding-DNA position 1519, G replaced by C.
Molecular consequence: splice acceptor variant.
Genome position (GRCh38, 1-based): chr3:158,666,303, G>C. VCF-style: chr3-158666303-G-C. GRCh37 (hg19) VCF-style: chr3-158384092-G-C.
Other names: c.1576-1G>C (NM_001308164.2); c.1294-1G>C (NM_001374357.1); c.1438-1G>C (NM_001374355.1); c.1402-1G>C (NM_001374356.1); c.952-1G>C (NM_001374359.1, NM_001374360.1); c.835-1G>C (NM_001374361.1); c.1060-1G>C (NM_001374358.1); c.1519-1G>C (NM_001308166.2).
Identifiers: ClinVar variation 2998268 (VCV002998268.3), dbSNP rs2474011193, ClinGen allele CA355178480.

ClinVar aggregate classification (germline): Likely pathogenic (1 of 4 stars; one submission).

Submission:

Labcorp Genetics (formerly Invitae), Labcorp
Classification: Likely pathogenic. Last evaluated: 2023-09-19. Review status: criteria provided, single submitter. Criteria: Invitae Variant Classification Sherloc (09022015). Collection method: clinical testing. Allele origin: germline.
Comment: This sequence change affects an acceptor splice site in intron 12 of the GFM1 gene. It is expected to disrupt RNA splicing. Variants that disrupt the donor or acceptor splice site typically lead to a loss of protein function (PMID: 16199547), and loss-of-function variants in GFM1 are known to be pathogenic (PMID: 16632485, 17160893). This variant is not present in population databases (gnomAD no frequency). This variant has not been reported in the literature in individuals affected with GFM1-related conditions. Algorithms developed to predict the effect of sequence changes on RNA splicing suggest that this variant may disrupt the consensus splice site. In summary, the currently available evidence indicates that the variant is pathogenic, but additional data are needed to prove that conclusively. Therefore, this variant has been classified as Likely Pathogenic.

Literature cited by the submitters: PubMed 16199547; PubMed 16632485; PubMed 17160893.